The following is an entry in ClinVar:

ClinVar aggregate classification (germline): Uncertain significance (1 of 4 stars; one submission).

Conditions:
Inborn genetic diseases. Identifiers: MedGen C0950123, MeSH D030342.

Submission:

Ambry Genetics
Classification: Uncertain significance for Inborn genetic diseases. Last evaluated: 2025-12-23. Review status: criteria provided, single submitter. Criteria: Ambry Variant Classification Scheme 2023. Collection method: clinical testing. Allele origin: germline.
Comment: The p.A983P variant (also known as c.2947G>C), located in coding exon 24 of the ANKRD26 gene, results from a G to C substitution at nucleotide position 2947. The alanine at codon 983 is replaced by proline, an amino acid with highly similar properties. This amino acid position is conserved. In addition, this alteration is predicted to be tolerated by in silico analysis. Based on the available evidence, the clinical significance of this variant remains unclear.

NM_014915.3(ANKRD26):c.2947G>C (p.Ala983Pro)

Gene: ANKRD26 (ankyrin repeat domain 26; minus strand). Cytogenetic location: 10p12.1.
Variant type: single nucleotide variant.
Coding change: c.2947G>C on transcript NM_014915.3 (MANE Select); coding-DNA position 2947, G replaced by C.
Protein change: p.Ala983Pro; replaces alanine 983 with proline.
Molecular consequence: missense variant.
Genome position (GRCh38, 1-based): chr10:27,035,503, C>G on the plus strand (G>C on the coding strand, the complement: ANKRD26 is on the minus strand). VCF-style: chr10-27035503-C-G. GRCh37 (hg19) VCF-style: chr10-27324432-C-G.
Other names: c.2944G>C, p.Ala982Pro (NM_001256053.2); short protein forms A983P, A982P.
Identifiers: ClinVar variation 4842340 (VCV004842340.1).
Genomic context (GRCh38, chr10:27,035,503, plus strand): 5'-CCAGTCTTTCCTTGCTTTGCTTTTCATTCTCCAGTTTAGAATTTAGCATTGCATTCTCAG[C>G]TGTCAGAACACTAAGCCGTCCATTATACTGGGATATTGTTTGTGTTAATGTTTCCTCATT-3'
Protein context (NP_055730.2, residues 973-993): QYNGRLSVLT[Ala983Pro]ENAMLNSKLE